The following is an entry in ClinVar:

ClinVar aggregate classification (germline): Uncertain significance (1 of 4 stars; one submission).

Conditions:
Familial cold autoinflammatory syndrome 4 (FCAS4). Identifiers: Orphanet 47045, Orphanet 576349, MedGen C4015276, MONDO:0014498, OMIM 616115.
Periodic fever-infantile enterocolitis-autoinflammatory syndrome. Also called: Autoinflammation with infantile enterocolitis. Identifiers: Orphanet 436166, MedGen C4015067, MONDO:0014472, OMIM 616050.

Submission:

Labcorp Genetics (formerly Invitae), Labcorp
Classification: Uncertain significance for Periodic fever-infantile enterocolitis-autoinflammatory syndrome; Familial cold autoinflammatory syndrome 4. Last evaluated: 2021-09-12. Review status: criteria provided, single submitter. Criteria: Invitae Variant Classification Sherloc (09022015). Collection method: clinical testing. Allele origin: germline.
Comment: This variant has not been reported in the literature in individuals affected with NLRC4-related conditions. Experimental studies and prediction algorithms are not available or were not evaluated, and the functional significance of this variant is currently unknown. In summary, the available evidence is currently insufficient to determine the role of this variant in disease. Therefore, it has been classified as a Variant of Uncertain Significance. This variant is not present in population databases (ExAC no frequency). This variant, c.2634_2642del, results in the deletion of 3 amino acid(s) of the NLRC4 protein (p.Glu879_Leu881del), but otherwise preserves the integrity of the reading frame.

NM_001199138.2(NLRC4):c.2634_2642del (p.Glu879_Leu881del)

Gene: NLRC4 (NLR family CARD domain containing 4; minus strand). Cytogenetic location: 2p22.3.
Variant type: Deletion.
Coding change: c.2634_2642del on transcript NM_001199138.2 (MANE Select); coding-DNA positions 2634 to 2642, 9 bases deleted (AGAACAGCT; older notation c.2634_2642delAGAACAGCT).
Protein change: p.Glu879_Leu881del.
Molecular consequence: inframe indel (on NM_001199139.2).
Genome position (GRCh38, 1-based): chr2:32,235,541-32,235,549, AGCTGTTCT deleted on the plus strand (AGAACAGCT on the coding strand, the reverse complement: NLRC4 is on the minus strand); deleting any 9 consecutive bases within chr2:32,235,541-32,235,552 gives the same sequence; the c. name uses the placement nearest the transcript's 3' end. VCF-style (leftmost placement, unchanged base first): chr2-32235540-GAGCTGTTCT-G. GRCh37 (hg19) VCF-style: chr2-32460609-GAGCTGTTCT-G.
Other names: c.2631_2639delGCTAGAACA, p.Glu879_Leu881del (NM_001199139.2, NM_021209.5); c.636_644delGCTAGAACA, p.Glu214_Leu216del (NM_001302504.2).
Identifiers: ClinVar variation 1490006 (VCV001490006.6), dbSNP rs2148933747, ClinGen allele CA2573134658.